The following is an entry in ClinVar:

ClinVar aggregate classification (germline): Benign (3 of 4 stars; one submission).

Conditions:
Breast-ovarian cancer, familial, susceptibility to, 1 (BROVCA1). Also called: BRCA1 Hereditary Breast and Ovarian Cancer; OVARIAN CANCER, SUSCEPTIBILITY TO. Identifiers: Orphanet 145, MedGen C2676676, MONDO:0011450, OMIM 604370. Disease mechanism: loss of function.

Allele frequency attached by ClinVar (database versions not stated): TOPMed 0.30302; gnomAD 0.30966 and 0.31703; 1000 Genomes Project 30x 0.34900; 1000 Genomes Project 0.35483.
gnomAD v4.1: 48,144 of 151,826 alleles (32%); highest among the groups gnomAD compares: South Asian, 49%; 7,943 homozygotes.

Submission:

Evidence-based Network for the Interpretation of Germline Mutant Alleles (ENIGMA)
Classification: Benign for Breast-ovarian cancer, familial 1. Last evaluated: 2015-01-12. Review status: reviewed by expert panel. Criteria: ENIGMA BRCA1/2 Classification Criteria (2015). Collection method: curation. Allele origin: germline.
Comment: Class 1 not pathogenic based on frequency >1% in an outbred sampleset. Frequency 0.3287 (Asian), 0.2175 (African), 0.3536 (European), derived from 1000 genomes (2012-04-30).

NM_007294.4(BRCA1):c.4675+509A>G

Gene: BRCA1 (BRCA1 DNA repair associated; minus strand). Cytogenetic location: 17q21.31.
Variant type: single nucleotide variant.
Coding change: c.4675+509A>G on transcript NM_007294.4 (MANE Select); 509 bases into the intron after coding-DNA position 4675, A replaced by G.
Molecular consequence: intron variant.
Genome position (GRCh38, 1-based): chr17:43,073,822, T>C on the plus strand (A>G on the coding strand, the complement: BRCA1 is on the minus strand). VCF-style: chr17-43073822-T-C. GRCh37 (hg19) VCF-style: chr17-41225839-T-C.
Other names: IVS 15+509A>G; c.1222+509A>G (NM_001408458.1, NM_001408461.1, NM_001408464.1 and 7 more transcripts); c.3784+509A>G (NM_001407967.1); c.4294+509A>G (NM_001407959.1); c.4408+509A>G (NM_001407931.1, NM_001407932.1, NM_001407928.1 and 4 more transcripts); c.4531+509A>G (NM_001407747.1, NM_001407745.1, NM_001407737.1 and 21 more transcripts); c.4291+509A>G (NM_001407962.1, NM_001407960.1); c.862+509A>G (NM_001408512.1); and 72 more.
Identifiers: ClinVar variation 209371 (VCV000209371.2), dbSNP rs8176214, ClinGen allele CA276343.